The following is an entry in ClinVar:

ClinVar aggregate classification (germline): Pathogenic/Likely pathogenic. Review status: criteria provided, multiple submitters, no conflicts (2 of 4 stars). 4 submissions from 4 submitters: Pathogenic (3); Likely pathogenic (1). Last evaluated 2024-09-05.

Conditions:
POLG-related disorder. Also called: POLG-Related Spectrum Disorders; POLG-related condition; POLG-Related Disorders. Identifiers: MedGen C4763519.
Mitochondrial disease. Also called: Mitochondrial disorders; Mitochondrial disorder. Identifiers: Orphanet 68380, MedGen C0751651, MeSH D028361, MONDO:0044970.
Progressive sclerosing poliodystrophy (MTDPS4A). Also called: ALPERS PROGRESSIVE INFANTILE POLIODYSTROPHY; NEURONAL DEGENERATION OF CHILDHOOD WITH LIVER DISEASE, PROGRESSIVE; Alpers Syndrome; ALPERS DIFFUSE DEGENERATION OF CEREBRAL GRAY MATTER WITH HEPATIC CIRRHOSIS; Alpers-Huttenlocher Syndrome; Mitochondrial DNA depletion syndrome 4A (Alpers type). Identifiers: Orphanet 726, MedGen C0205710, MONDO:0008758, OMIM 203700.

Submissions (4):

Blueprint Genetics
Classification: Likely pathogenic for POLG-related disorders. Last evaluated: 2024-09-05. Review status: criteria provided, single submitter. Criteria: ACMG Guidelines, 2015. Collection method: clinical testing. Allele origin: germline. Affected: yes. Observed: 2 variant alleles.

Labcorp Genetics (formerly Invitae), Labcorp
Classification: Pathogenic for Progressive sclerosing poliodystrophy. Last evaluated: 2023-09-15. Review status: criteria provided, single submitter. Criteria: Invitae Variant Classification Sherloc (09022015). Collection method: clinical testing. Allele origin: germline.
Comment: This sequence change creates a premature translational stop signal (p.Glu1084Glyfs*21) in the POLG gene. It is expected to result in an absent or disrupted protein product. Loss-of-function variants in POLG are known to be pathogenic (PMID: 18546365). This variant is not present in population databases (gnomAD no frequency). This variant has not been reported in the literature in individuals affected with POLG-related conditions. For these reasons, this variant has been classified as Pathogenic.

CeGaT Center for Human Genetics Tuebingen
Classification: Pathogenic. Last evaluated: 2022-12-01. Review status: criteria provided, single submitter. Criteria: CeGaT Center For Human Genetics Tuebingen Variant Classification Criteria Version 2. Collection method: clinical testing. Allele origin: germline. Affected: yes. Observed: 1 variant allele.
Comment: POLG: PVS1, PM2

Victorian Clinical Genetics Services, Murdoch Childrens Research Institute
Classification: Pathogenic for Mitochondrial disease. Last evaluated: 2020-07-02. Review status: criteria provided, single submitter. Criteria: ACMG Guidelines, 2015. Collection method: clinical testing. Allele origin: germline. Affected: yes.
Comment: Based on the classification scheme VCGS_Germline_v1.3.3, this variant is classified as Pathogenic. Following criteria are met: 0102 - Loss of function is a known mechanism of disease in this gene and is associated with POLG-related mitochondrial disorder. (I) 0108 - This gene is associated with both recessive and dominant disease (OMIM). (I) 0112 - The condition associated with this gene has incomplete penetrance (OMIM). (I) 0201 - Variant is predicted to cause nonsense-mediated decay (NMD) and loss of protein (premature termination codon is located at least 54 nucleotides upstream of the final exon-exon junction) (exon 20 of 23). (SP) 0251 - This variant is heterozygous. (I) 0301 - Variant is absent from gnomAD (v2 and v3). (SP) 0701 - Other NMD predicted variants comparable to the one identified in this case have very strong previous evidence for pathogenicity (ClinVar). (SP) 0807 - This variant has no previous evidence of pathogenicity. (I) 0905 - No published segregation evidence has been identified for this variant. (I) 1007 - No published functional evidence has been identified for this variant. (I) 1208 - Inheritance information for this variant is not currently available in this individual. (I) Legend: (SP) - Supporting pathogenic, (I) - Information, (SB) - Supporting benign

Literature cited by the submitters: PubMed 18546365 (cited by Labcorp Genetics (formerly Invitae), Labcorp).

NM_002693.3(POLG):c.3249_3256del (p.Glu1084fs)

Gene: POLG (DNA polymerase gamma, catalytic subunit; minus strand). Cytogenetic location: 15q26.1.
Variant type: Deletion.
Coding change: c.3249_3256del on transcript NM_002693.3 (MANE Select); coding-DNA positions 3249 to 3256, 8 bases deleted (GGAGCCCT; older notation c.3249_3256delGGAGCCCT).
Protein change: p.Glu1084fs; shifts the reading frame from glutamic acid 1084.
Molecular consequence: frameshift variant.
Genome position (GRCh38, 1-based): chr15:89,318,948-89,318,955, AGGGCTCC deleted on the plus strand (GGAGCCCT on the coding strand, the reverse complement: POLG is on the minus strand); deleting any 8 consecutive bases within chr15:89,318,948-89,318,962 gives the same sequence; the c. name uses the placement nearest the transcript's 3' end. VCF-style (leftmost placement, unchanged base first): chr15-89318947-GAGGGCTCC-G. GRCh37 (hg19) VCF-style: chr15-89862178-GAGGGCTCC-G.
Other names: c.3249_3256delGGAGCCCT (NM_002693.2); c.3249_3256del, p.Glu1084fs (NM_001126131.2); short protein forms E1084fs.
Identifiers: ClinVar variation 2645687 (VCV002645687.29), dbSNP rs2509206788, ClinGen allele CA923726311.